The following is an entry in ClinVar:

NM_020631.6(PLEKHG5):c.535C>T (p.Pro179Ser)

Gene: PLEKHG5 (pleckstrin homology and RhoGEF domain containing G5; minus strand). Cytogenetic location: 1p36.31.
Variant type: single nucleotide variant.
Coding change: c.535C>T on transcript NM_020631.6 (MANE Select); coding-DNA position 535, C replaced by T.
Protein change: p.Pro179Ser; replaces proline 179 with serine.
Molecular consequence: missense variant.
Genome position (GRCh38, 1-based): chr1:6,474,069, G>A on the plus strand (C>T on the coding strand, the complement: PLEKHG5 is on the minus strand). VCF-style: chr1-6474069-G-A. GRCh37 (hg19) VCF-style: chr1-6534129-G-A.
Other names: c.646C>T, p.Pro216Ser (NM_001042663.3, NM_001265592.2); c.535C>T, p.Pro179Ser (NM_001042664.2, NM_001042665.2, NM_001265594.3 and 1 more transcripts); c.742C>T, p.Pro248Ser (NM_001265593.2); short protein forms P248S, P179S, P216S.
Identifiers: ClinVar variation 1377174 (VCV001377174.5), dbSNP rs1644682762, ClinGen allele CA338138596.

ClinVar aggregate classification (germline): Uncertain significance (1 of 4 stars; one submission).

Conditions:
Charcot-Marie-Tooth disease recessive intermediate C. Also called: CHARCOT-MARIE-TOOTH NEUROPATHY, RECESSIVE INTERMEDIATE C. Identifiers: Orphanet 369867, MedGen C3809309, MONDO:0014154, OMIM 615376.
Neuronopathy, distal hereditary motor, autosomal recessive 4. Also called: NEUROPATHY, DISTAL HEREDITARY MOTOR, AUTOSOMAL RECESSIVE 4; Autosomal recessive lower motor neuron disease with childhood onset. Identifiers: Orphanet 206580, MedGen C1970211, MONDO:0012608, OMIM 611067.

Submission:

Labcorp Genetics (formerly Invitae), Labcorp
Classification: Uncertain significance for Neuronopathy, distal hereditary motor, autosomal recessive 4; Charcot-Marie-Tooth disease recessive intermediate C. Last evaluated: 2021-08-31. Review status: criteria provided, single submitter. Criteria: Invitae Variant Classification Sherloc (09022015). Collection method: clinical testing. Allele origin: germline.
Comment: This sequence change replaces proline with serine at codon 179 of the PLEKHG5 protein (p.Pro179Ser). The proline residue is weakly conserved and there is a moderate physicochemical difference between proline and serine. This variant is not present in population databases (ExAC no frequency). This variant has not been reported in the literature in individuals affected with PLEKHG5-related conditions. Algorithms developed to predict the effect of missense changes on protein structure and function (SIFT, PolyPhen-2, Align-GVGD) all suggest that this variant is likely to be tolerated. In summary, the available evidence is currently insufficient to determine the role of this variant in disease. Therefore, it has been classified as a Variant of Uncertain Significance.